The following is an entry in ClinVar:

ClinVar aggregate classification (germline): Uncertain significance (1 of 4 stars; one submission).

Conditions:
Hereditary cancer-predisposing syndrome. Also called: Tumor predisposition; Hereditary neoplastic syndrome; Hereditary Cancer Syndrome; Neoplastic Syndromes, Hereditary. Identifiers: Orphanet 140162, MedGen C0027672, MeSH D009386, MONDO:0015356.

Submission:

Ambry Genetics
Classification: Uncertain significance for Hereditary cancer-predisposing syndrome. Last evaluated: 2025-03-20. Review status: criteria provided, single submitter. Criteria: Ambry Variant Classification Scheme 2023. Collection method: clinical testing. Allele origin: germline.
Comment: The c.1740_1741delCGinsA variant, located in coding exon 16 of the POLE gene, results from the deletion of two nucleotides and insertion of one nucleotide causing a translational frameshift with a predicted alternate stop codon (p.H580Qfs*31). This alteration is expected to result in loss of function by premature protein truncation or nonsense-mediated mRNA decay. Although biallelic loss of function of POLE has been associated with autosomal recessive POLE deficiency, haploinsufficiency of POLE has not been established as a mechanism of disease for POLE-related polymerase proofreading-associated polyposis (PPAP) and POLE-related CMMRD-like syndrome. Based on the supporting evidence, this variant is expected to be causative of POLE deficiency when present along with a second pathogenic variant on the other allele; however, its clinical significance for PPAP and POLE-related CMMRD-like syndrome is unclear.

NM_006231.4(POLE):c.1740_1741delinsA (p.His580fs)

Gene: POLE (DNA polymerase epsilon, catalytic subunit; minus strand). Cytogenetic location: 12q24.33.
Variant type: Indel.
Coding change: c.1740_1741delinsA on transcript NM_006231.4 (MANE Select); coding-DNA positions 1740 to 1741, CG replaced by A.
Protein change: p.His580fs; shifts the reading frame from histidine 580.
Molecular consequence: frameshift variant.
Genome position (GRCh38, 1-based): chr12:132,672,268-132,672,269, CG replaced by T on the plus strand (CG replaced by A on the coding strand, the reverse complement: POLE is on the minus strand). VCF-style: chr12-132672268-CG-T. GRCh37 (hg19) VCF-style: chr12-133248854-CG-T.
Other names: short protein forms H580fs.
Identifiers: ClinVar variation 3935690 (VCV003935690.1).